The following is an entry in ClinVar:

NM_001378120.1(MBD5):c.4523G>A (p.Ser1508Asn)

Gene: MBD5 (methyl-CpG binding domain protein 5; plus strand). Cytogenetic location: 2q23.1.
Variant type: single nucleotide variant.
Coding change: c.4523G>A on transcript NM_001378120.1 (MANE Select); coding-DNA position 4523, G replaced by A.
Protein change: p.Ser1508Asn; replaces serine 1508 with asparagine.
Molecular consequence: missense variant.
Genome position (GRCh38, 1-based): chr2:148,490,155, G>A. VCF-style: chr2-148490155-G-A. GRCh37 (hg19) VCF-style: chr2-149247724-G-A.
Other names: c.3824G>A, p.Ser1275Asn (NM_018328.5); short protein forms S1508N, S1275N.
Identifiers: ClinVar variation 2094618 (VCV002094618.4), dbSNP rs2470027431, ClinGen allele CA348729450.
Genomic context (GRCh38, chr2:148,490,155, plus strand): 5'-CAGGGGATAAAATTCTAGAGGAAAATTTCAGGTATAATAACTACAAAAGAACTATGATGA[G>A]TTTTAAGGAGAGACTAGAGAACACTGTGGAAAGATGTGCACACATAAATGGGAATAGACC-3'
Protein context (NP_001365049.1, residues 1498-1518): RYNNYKRTMM[Ser1508Asn]FKERLENTVE

ClinVar aggregate classification (germline): Uncertain significance (1 of 4 stars; one submission).

Conditions:
Intellectual developmental disorder, autosomal dominant 1. Also called: Intellectual disability, autosomal dominant 1; MBD5 Haploinsufficiency. Identifiers: Orphanet 228402, MedGen C1969562, MONDO:0007974, OMIM 156200.

Submission:

Labcorp Genetics (formerly Invitae), Labcorp
Classification: Uncertain significance for Intellectual developmental disorder, autosomal dominant 1. Last evaluated: 2022-09-13. Review status: criteria provided, single submitter. Criteria: Invitae Variant Classification Sherloc (09022015). Collection method: clinical testing. Allele origin: germline.
Comment: In summary, the available evidence is currently insufficient to determine the role of this variant in disease. Therefore, it has been classified as a Variant of Uncertain Significance. Algorithms developed to predict the effect of missense changes on protein structure and function are either unavailable or do not agree on the potential impact of this missense change (SIFT: "Deleterious"; PolyPhen-2: "Not Available"; Align-GVGD: "Class C45"). This variant has not been reported in the literature in individuals affected with MBD5-related conditions. This variant is not present in population databases (gnomAD no frequency). This sequence change replaces serine, which is neutral and polar, with asparagine, which is neutral and polar, at codon 1275 of the MBD5 protein (p.Ser1275Asn).